The following is an entry in ClinVar:

NM_017849.4(TMEM127):c.665C>G (p.Ala222Gly)

Gene: TMEM127 (transmembrane protein 127; minus strand). Cytogenetic location: 2q11.2.
Variant type: single nucleotide variant.
Coding change: c.665C>G on transcript NM_017849.4 (MANE Select); coding-DNA position 665, C replaced by G.
Protein change: p.Ala222Gly; replaces alanine 222 with glycine.
Molecular consequence: missense variant.
Genome position (GRCh38, 1-based): chr2:96,253,860, G>C on the plus strand (C>G on the coding strand, the complement: TMEM127 is on the minus strand). VCF-style: chr2-96253860-G-C. GRCh37 (hg19) VCF-style: chr2-96919598-G-C.
Other names: c.665C>G, p.Ala222Gly (NM_001193304.3); c.413C>G, p.Ala138Gly (NM_001407282.1, NM_001407283.1); short protein forms A138G, A222G.
Identifiers: ClinVar variation 1754724 (VCV001754724.2), dbSNP rs373951977, ClinGen allele CA347651404.

ClinVar aggregate classification (germline): Uncertain significance (1 of 4 stars; one submission).

Conditions:
Hereditary cancer-predisposing syndrome. Also called: Neoplastic Syndromes, Hereditary; Tumor predisposition; Hereditary Cancer Syndrome; Hereditary neoplastic syndrome. Identifiers: Orphanet 140162, MedGen C0027672, MeSH D009386, MONDO:0015356.

Submission:

Ambry Genetics
Classification: Uncertain significance for Hereditary cancer-predisposing syndrome. Last evaluated: 2022-05-18. Review status: criteria provided, single submitter. Criteria: Ambry Variant Classification Scheme 2023. Collection method: clinical testing. Allele origin: germline.
Comment: The p.A222G variant (also known as c.665C>G), located in coding exon 3 of the TMEM127 gene, results from a C to G substitution at nucleotide position 665. The alanine at codon 222 is replaced by glycine, an amino acid with similar properties. This amino acid position is conserved. In addition, the in silico prediction for this alteration is inconclusive. Since supporting evidence is limited at this time, the clinical significance of this alteration remains unclear.